The following is an entry in ClinVar:

NM_000051.4(ATM):c.4971G>C (p.Met1657Ile)

Gene: ATM (ATM serine/threonine kinase; plus strand). Cytogenetic location: 11q22.3.
Variant type: single nucleotide variant.
Coding change: c.4971G>C on transcript NM_000051.4 (MANE Select); coding-DNA position 4971, G replaced by C.
Protein change: p.Met1657Ile; replaces methionine 1657 with isoleucine.
Molecular consequence: missense variant.
Genome position (GRCh38, 1-based): chr11:108,297,348, G>C. VCF-style: chr11-108297348-G-C. GRCh37 (hg19) VCF-style: chr11-108168075-G-C.
Other names: c.4971G>C, p.Met1657Ile (NM_001351834.2); short protein forms M1657I.
Identifiers: ClinVar variation 2835667 (VCV002835667.3), dbSNP rs2546955000, ClinGen allele CA382538400.
Genomic context (GRCh38, chr11:108,297,348, plus strand): 5'-TAATCCGCAAGATGGGATTATGGTGAAACTAGTTGTCAATTTGTTGCAGTTATCCAAGAT[G>C]GCAATAAACCACACTGGTGAAAAAGAAGTTCTAGGTAAACTACAGTCATGCGCTGCGTGA-3'
Protein context (NP_000042.3, residues 1647-1667): LVVNLLQLSK[Met1657Ile]AINHTGEKEV

ClinVar aggregate classification (germline): Uncertain significance (1 of 4 stars; one submission).

Conditions:
Ataxia-telangiectasia syndrome (AT). Also called: LOUIS-BAR SYNDROME; Ataxia-telangiectasia, complementation group D; ATAXIA-TELANGIECTASIA, COMPLEMENTATION GROUP A; ATAXIA-TELANGIECTASIA, FRESNO VARIANT; Ataxia-telangiectasia; Ataxia telangiectasia (A-T). Identifiers: Orphanet 100, MedGen C0004135, MONDO:0008840, OMIM 208900.

Submission:

Labcorp Genetics (formerly Invitae), Labcorp
Classification: Uncertain significance for Ataxia-telangiectasia syndrome. Last evaluated: 2023-02-09. Review status: criteria provided, single submitter. Criteria: Invitae Variant Classification Sherloc (09022015). Collection method: clinical testing. Allele origin: germline.
Comment: In summary, the available evidence is currently insufficient to determine the role of this variant in disease. Therefore, it has been classified as a Variant of Uncertain Significance. Algorithms developed to predict the effect of missense changes on protein structure and function (SIFT, PolyPhen-2, Align-GVGD) all suggest that this variant is likely to be tolerated. This variant has not been reported in the literature in individuals affected with ATM-related conditions. This variant is not present in population databases (gnomAD no frequency). This sequence change replaces methionine, which is neutral and non-polar, with isoleucine, which is neutral and non-polar, at codon 1657 of the ATM protein (p.Met1657Ile).